The following is an entry in ClinVar:

ClinVar aggregate classification (germline): Uncertain significance. Review status: criteria provided, multiple submitters, no conflicts (2 of 4 stars). 2 submissions from 2 submitters: Uncertain significance (2). Last evaluated 2022-09-06.

Conditions:
Megalencephaly-polymicrogyria-postaxial polydactyly-hydrocephalus syndrome. Also called: MPPH Syndrome; MEG-PMG-MEGACC SYNDROME. Identifiers: Orphanet 83473, MedGen C1863924, MONDO:0019375.

gnomAD v4.1: 5 of 1,574,838 alleles (0.00032%); highest among the groups gnomAD compares: Non-Finnish European, 0.00017%; no homozygotes.

Submissions (2):

Labcorp Genetics (formerly Invitae), Labcorp
Classification: Uncertain significance for Megalencephaly-polymicrogyria-postaxial polydactyly-hydrocephalus syndrome. Last evaluated: 2022-09-06. Review status: criteria provided, single submitter. Criteria: Invitae Variant Classification Sherloc (09022015). Collection method: clinical testing. Allele origin: germline.
Comment: In summary, the available evidence is currently insufficient to determine the role of this variant in disease. Therefore, it has been classified as a Variant of Uncertain Significance. Variants that disrupt the consensus splice site are a relatively common cause of aberrant splicing (PMID: 17576681, 9536098). Algorithms developed to predict the effect of sequence changes on RNA splicing suggest that this variant is not likely to affect RNA splicing. This variant has not been reported in the literature in individuals affected with PIK3R2-related conditions. This variant is present in population databases (rs762024321, gnomAD 0.001%). This sequence change falls in intron 13 of the PIK3R2 gene. It does not directly change the encoded amino acid sequence of the PIK3R2 protein. It affects a nucleotide within the consensus splice site.

Blueprint Genetics
Classification: Uncertain significance. Last evaluated: 2018-08-17. Review status: criteria provided, single submitter. Criteria: ACMG Guidelines, 2015. Collection method: clinical testing. Allele origin: germline.

Literature cited by the submitters: PubMed 17576681 (cited by Labcorp Genetics (formerly Invitae), Labcorp); PubMed 9536098 (cited by Labcorp Genetics (formerly Invitae), Labcorp).

NM_005027.4(PIK3R2):c.1736+6T>G

Gene: PIK3R2 (phosphoinositide-3-kinase regulatory subunit 2; plus strand). Cytogenetic location: 19p13.11.
Variant type: single nucleotide variant.
Coding change: c.1736+6T>G on transcript NM_005027.4 (MANE Select); 6 bases into the intron after coding-DNA position 1736, T replaced by G.
Molecular consequence: intron variant.
Genome position (GRCh38, 1-based): chr19:18,167,312, T>G. VCF-style: chr19-18167312-T-G. GRCh37 (hg19) VCF-style: chr19-18278122-T-G.
Identifiers: ClinVar variation 2024346 (VCV002024346.5), dbSNP rs762024321, ClinGen allele CA9307107.